The following is an entry in ClinVar:

NM_005188.4(CBL):c.2586G>T (p.Glu862Asp)

Gene: CBL (Cbl proto-oncogene; plus strand). Cytogenetic location: 11q23.3.
Variant type: single nucleotide variant.
Coding change: c.2586G>T on transcript NM_005188.4 (MANE Select); coding-DNA position 2586, G replaced by T.
Protein change: p.Glu862Asp; replaces glutamic acid 862 with aspartic acid.
Molecular consequence: missense variant.
Genome position (GRCh38, 1-based): chr11:119,299,646, G>T. VCF-style: chr11-119299646-G-T. GRCh37 (hg19) VCF-style: chr11-119170356-G-T.
Other names: short protein forms E862D.
Identifiers: ClinVar variation 3995967 (VCV003995967.1).

ClinVar aggregate classification (germline): Uncertain significance (1 of 4 stars; one submission).

Conditions:
Cardiovascular phenotype. Identifiers: MedGen CN230736.

Submission:

Ambry Genetics
Classification: Uncertain significance for Cardiovascular phenotype. Last evaluated: 2025-04-18. Review status: criteria provided, single submitter. Criteria: Ambry Variant Classification Scheme 2023. Collection method: clinical testing. Allele origin: germline.
Comment: The p.E862D variant (also known as c.2586G>T), located in coding exon 16 of the CBL gene, results from a G to T substitution at nucleotide position 2586. The glutamic acid at codon 862 is replaced by aspartic acid, an amino acid with highly similar properties. This amino acid position is conserved. In addition, the in silico prediction for this alteration is inconclusive. Based on the available evidence, the clinical significance of this variant remains unclear.